The following is an entry in ClinVar:

NM_001384140.1(PCDH15):c.2859A>C (p.Ala953=)

Gene: PCDH15 (protocadherin related 15; minus strand). Cytogenetic location: 10q21.1.
Variant type: single nucleotide variant.
Coding change: c.2859A>C on transcript NM_001384140.1 (MANE Select); coding-DNA position 2859, A replaced by C.
Protein change: p.Ala953=; no amino-acid change (alanine 953 retained).
Molecular consequence: synonymous variant.
Genome position (GRCh38, 1-based): chr10:53,995,658, T>G on the plus strand (A>C on the coding strand, the complement: PCDH15 is on the minus strand). VCF-style: chr10-53995658-T-G. GRCh37 (hg19) VCF-style: chr10-55755418-T-G.
Other names: c.2874A>C, p.Ala958= (NM_001142763.2, NM_001142771.2); c.2859A>C, p.Ala953= (NM_001142764.2, NM_001142766.2, NM_001142770.3 and 5 more transcripts); c.2646A>C, p.Ala882= (NM_001142765.2); c.2748A>C, p.Ala916= (NM_001142767.2); c.2793A>C, p.Ala931= (NM_001142768.2, NM_001142773.2, NM_001354404.2); c.2895A>C, p.Ala965= (NM_001142769.4); c.2880A>C, p.Ala960= (NM_001354411.2).
Identifiers: ClinVar variation 504666 (VCV000504666.13), dbSNP rs375965861, ClinGen allele CA5505912.
Genomic context (GRCh38, chr10:53,995,658, plus strand): 5'-AAGGATTTTTCTCAGTACAGTTCAGAATATTAATCAATGCCTTCTACTTACAGGAGGGTC[T>G]GCATCTTCAGCATAAACTGTTGTGATAGGTGTACCCTTGACTGCATCCGGAGCCACCATC-3'
Protein context (NP_001371069.1, residues 943-963): TPITTVYAED[Ala953=]DPPGLPASRV

ClinVar aggregate classification (germline): Likely benign. Review status: criteria provided, multiple submitters, no conflicts (2 of 4 stars). 3 submissions from 3 submitters: Likely benign (3). Last evaluated 2026-03-17.

Conditions:
PCDH15-related disorder. Also called: PCDH15-related condition; PCDH15-related disorders.

Allele frequency attached by ClinVar (database versions not stated): ESP Exome Variant Server 0.00008; ExAC 0.00001.
gnomAD v4.1: 4 of 1,613,958 alleles (0.00025%); highest among the groups gnomAD compares: Non-Finnish European, 0.00034%; no homozygotes.

Submissions (3):

PreventionGenetics, part of Exact Sciences
Classification: Likely benign for PCDH15-related condition. Last evaluated: 2026-03-17. Review status: criteria provided, single submitter. Criteria: ACMG Guidelines, 2015. Collection method: clinical testing. Allele origin: germline.
Comment: This variant is classified as likely benign based on ACMG/AMP sequence variant interpretation guidelines (Richards et al. 2015 PMID: 25741868, with internal and published modifications).

Labcorp Genetics (formerly Invitae), Labcorp
Classification: Likely benign. Last evaluated: 2023-09-29. Review status: criteria provided, single submitter. Criteria: Invitae Variant Classification Sherloc (09022015). Collection method: clinical testing. Allele origin: germline.

Laboratory for Molecular Medicine, Mass General Brigham Personalized Medicine
Classification: Likely benign. Last evaluated: 2017-01-19. Review status: criteria provided, single submitter. Criteria: LMM Criteria. Collection method: clinical testing. Allele origin: germline. Observed: 1 variant allele.
Comment: p.Ala953Ala in Exon 21 of PCDH15: This variant is not expected to have clinical significance because it does not alter an amino acid residue, is not located wit hin the splice consensus sequence, and has been identified in 1/66716 European c hromosomes by the Exome Aggregation Consortium (dbSNP rs375965861).